The following is an entry in ClinVar:

ClinVar aggregate classification (germline): Uncertain significance (1 of 4 stars; one submission).

Conditions:
PCNT-related disorder. Also called: PCNT-related condition.

Submission:

PreventionGenetics, part of Exact Sciences
Classification: Uncertain significance for PCNT-related condition. Last evaluated: 2024-12-13. Review status: criteria provided, single submitter. Criteria: ACMG Guidelines, 2015. Collection method: clinical testing. Allele origin: germline.
Comment: The PCNT c.3190A>G variant is predicted to result in the amino acid substitution p.Thr1064Ala. To our knowledge, this variant has not been reported in the literature or in a large population database (gnomAD), indicating this variant is rare. At this time, the clinical significance of this variant is uncertain due to the absence of conclusive functional and genetic evidence.

NM_006031.6(PCNT):c.3190A>G (p.Thr1064Ala)

Gene: PCNT (pericentrin; plus strand). Cytogenetic location: 21q22.3.
Variant type: single nucleotide variant.
Coding change: c.3190A>G on transcript NM_006031.6 (MANE Select); coding-DNA position 3190, A replaced by G.
Protein change: p.Thr1064Ala; replaces threonine 1064 with alanine.
Molecular consequence: missense variant.
Genome position (GRCh38, 1-based): chr21:46,381,718, A>G. VCF-style: chr21-46381718-A-G. GRCh37 (hg19) VCF-style: chr21-47801633-A-G.
Other names: c.2836A>G, p.Thr946Ala (NM_001315529.2); short protein forms T1064A, T946A.
Identifiers: ClinVar variation 4999378 (VCV004999378.1).
Genomic context (GRCh38, chr21:46,381,718, plus strand): 5'-CTTACTGGTATTTTTTATTGTTATTGATGTGTACAGGGTGAATTTGGAAGTGAAAAGAAA[A>G]CTGCTTTGCATGAAAAAGAGGAGACACTTCGGCTTCAGAGTGCACAGGCACAGCCTTTTC-3'
Protein context (NP_006022.3, residues 1054-1074): HQGEFGSEKK[Thr1064Ala]ALHEKEETLR